The following is an entry in ClinVar:

ClinVar aggregate classification (germline): Uncertain significance (1 of 4 stars; one submission).

Conditions:
Cardiomyopathy (CMYO). Also called: Cardiomyopathies. Identifiers: Orphanet 167848, MedGen C0878544, MONDO:0004994, HP:0001638. Inheritance: Various modes of inheritance.

gnomAD v4.1: 2 of 1,609,990 alleles (0.00012%); highest among the groups gnomAD compares: East Asian, 0.0045%; no homozygotes.

Submission:

Color Diagnostics, LLC DBA Color Health
Classification: Uncertain significance for Cardiomyopathy. Last evaluated: 2022-12-13. Review status: criteria provided, single submitter. Criteria: ACMG Guidelines, 2015. Collection method: clinical testing. Allele origin: germline.
Comment: This variant is located in the 5' untranslated region of the TPM1 gene. To our knowledge, functional studies have not been reported for this variant. This variant has not been reported in individuals affected with TPM1-related disorders in the literature. This variant has not been identified in the general population by the Genome Aggregation Database (gnomAD). The available evidence is insufficient to determine the role of this variant in disease conclusively. Therefore, this variant is classified as a Variant of Uncertain Significance.

NM_001018005.2(TPM1):c.-12G>A

Gene: TPM1 (tropomyosin 1; plus strand). Cytogenetic location: 15q22.2.
Variant type: single nucleotide variant.
Coding change: c.-12G>A on transcript NM_001018005.2 (MANE Select); 12 bases upstream of the start codon, G replaced by A.
Molecular consequence: 5 prime UTR variant. On other transcripts: non-coding transcript variant (11).
Genome position (GRCh38, 1-based): chr15:63,042,818, G>A. VCF-style: chr15-63042818-G-A. GRCh37 (hg19) VCF-style: chr15-63335017-G-A.
Other names: c.-12G>A (NM_000366.6, NM_001018004.2, NM_001018006.2 and 24 more transcripts).
Identifiers: ClinVar variation 2774657 (VCV002774657.2), dbSNP rs2031418087, ClinGen allele CA2182486292.